The following is an entry in ClinVar:

ClinVar aggregate classification (germline): Uncertain significance (1 of 4 stars; one submission).

Submission:

CeGaT Center for Human Genetics Tuebingen
Classification: Uncertain significance. Last evaluated: 2023-03-01. Review status: criteria provided, single submitter. Criteria: CeGaT Center For Human Genetics Tuebingen Variant Classification Criteria Version 2. Collection method: clinical testing. Allele origin: germline. Affected: yes. Observed: 1 variant allele.
Comment: RYR1: PM2:Supporting, BP4

NM_000540.3(RYR1):c.11305C>T (p.Leu3769=)

Gene: RYR1 (ryanodine receptor 1; plus strand). Cytogenetic location: 19q13.2.
Variant type: single nucleotide variant.
Coding change: c.11305C>T on transcript NM_000540.3 (MANE Select); coding-DNA position 11305, C replaced by T.
Protein change: p.Leu3769=; no amino-acid change (leucine 3769 retained).
Molecular consequence: synonymous variant.
Genome position (GRCh38, 1-based): chr19:38,534,765, C>T. VCF-style: chr19-38534765-C-T. GRCh37 (hg19) VCF-style: chr19-39025405-C-T.
Other names: c.11290C>T, p.Leu3764= (NM_001042723.2).
Identifiers: ClinVar variation 2649812 (VCV002649812.24), dbSNP rs2514527006, ClinGen allele CA507238839.
Genomic context (GRCh38, chr19:38,534,765, plus strand): 5'-TGCCTCCCTTCCCAGGAGAAACAGATGGAGAAGCAGAGGCTCTTGTACCAGCAAGCACGG[C>T]TGCACACCCGGGGGGCGGCCGAGATGGTGCTGCAGATGATCAGTGCCTGCAAAGGTGCCC-3'
Protein context (NP_000531.2, residues 3759-3779): KQRLLYQQAR[Leu3769=]HTRGAAEMVL